The following is an entry in ClinVar:

ClinVar aggregate classification (germline): Uncertain significance. Review status: criteria provided, multiple submitters, no conflicts (2 of 4 stars). 3 submissions from 3 submitters: Uncertain significance (3). Last evaluated 2025-12-02.

Conditions:
Inborn genetic diseases. Identifiers: MedGen C0950123, MeSH D030342.

Allele frequency attached by ClinVar (database versions not stated): ExAC 0.00002; gnomAD exomes 0.00002; TOPMed 0.00002; gnomAD 0.00003.
gnomAD v4.1: 29 of 1,613,798 alleles (0.0018%); highest among the groups gnomAD compares: African/African-American, 0.008%; no homozygotes.

Submissions (3):

Labcorp Genetics (formerly Invitae), Labcorp
Classification: Uncertain significance. Last evaluated: 2025-12-02. Review status: criteria provided, single submitter. Criteria: Invitae Variant Classification Sherloc (09022015). Collection method: clinical testing. Allele origin: germline.
Comment: This sequence change replaces glutamic acid, which is acidic and polar, with lysine, which is basic and polar, at codon 917 of the MYH3 protein (p.Glu917Lys). This variant is present in population databases (rs747225470, gnomAD 0.02%). This variant has not been reported in the literature in individuals affected with MYH3-related conditions. ClinVar contains an entry for this variant (Variation ID: 1909356). Invitae Evidence Modeling of protein sequence and biophysical properties (such as structural, functional, and spatial information, amino acid conservation, physicochemical variation, residue mobility, and thermodynamic stability) indicates that this missense variant is not expected to disrupt MYH3 protein function with a negative predictive value of 95%. In summary, the available evidence is currently insufficient to determine the role of this variant in disease. Therefore, it has been classified as a Variant of Uncertain Significance.

Women's Health and Genetics/Laboratory Corporation of America, LabCorp
Classification: Uncertain significance. Last evaluated: 2025-10-29. Review status: criteria provided, single submitter. Criteria: LabCorp Variant Classification Summary - May 2015. Collection method: clinical testing. Allele origin: germline.
Comment: Variant summary: MYH3 c.2749G>A (p.Glu917Lys) results in a conservative amino acid change in the encoded protein sequence. Algorithms developed to predict the effect of missense changes on protein structure and function are either unavailable or do not agree on the potential impact of this missense change. The variant allele was found at a frequency of 2.4e-05 in 251482 control chromosomes (gnomAD). The available data on variant occurrences in the general population are insufficient to allow any conclusion about variant significance. c.2749G>A has been observed in individuals affected with Pagets disease of bone (Scotto_2020). These reports do not provide unequivocal conclusions about association of the variant with MYH3-Related Disorders. To our knowledge, no experimental evidence demonstrating an impact on protein function has been reported. The following publication have been ascertained in the context of this evaluation (PMID: 31991009). ClinVar contains an entry for this variant (Variation ID: 1909356). Based on the evidence outlined above, the variant was classified as uncertain significance.

Ambry Genetics
Classification: Uncertain significance for Inborn genetic diseases. Last evaluated: 2021-08-02. Review status: criteria provided, single submitter. Criteria: Ambry Variant Classification Scheme 2023. Collection method: clinical testing. Allele origin: germline.

Literature cited by the submitters: PubMed 31991009 (cited by Women's Health and Genetics/Laboratory Corporation of America, LabCorp).

NM_002470.4(MYH3):c.2749G>A (p.Glu917Lys)

Gene: MYH3 (myosin heavy chain 3; minus strand). Cytogenetic location: 17p13.1.
Variant type: single nucleotide variant.
Coding change: c.2749G>A on transcript NM_002470.4 (MANE Select); coding-DNA position 2749, G replaced by A.
Protein change: p.Glu917Lys; replaces glutamic acid 917 with lysine.
Molecular consequence: missense variant.
Genome position (GRCh38, 1-based): chr17:10,639,736, C>T on the plus strand (G>A on the coding strand, the complement: MYH3 is on the minus strand). VCF-style: chr17-10639736-C-T. GRCh37 (hg19) VCF-style: chr17-10543053-C-T.
Other names: c.2749G>A (NM_002470.3); short protein forms E917K.
Identifiers: ClinVar variation 1909356 (VCV001909356.7), dbSNP rs747225470, ClinGen allele CA8392685.